The following is an entry in ClinVar:

ClinVar aggregate classification (germline): Conflicting classifications of pathogenicity. Review status: criteria provided, conflicting classifications (1 of 4 stars). 3 submissions from 3 submitters: Uncertain significance (1); Benign (1); Likely benign (1). Last evaluated 2024-07-22.

Conditions:
Hereditary cancer-predisposing syndrome. Also called: Neoplastic Syndromes, Hereditary; Tumor predisposition; Hereditary Cancer Syndrome; Hereditary neoplastic syndrome. Identifiers: Orphanet 140162, MedGen C0027672, MeSH D009386, MONDO:0015356.
Familial cancer of breast. Also called: BREAST CANCER, FAMILIAL; hereditary breast carcinoma; Hereditary breast cancer. Identifiers: Orphanet 227535, MedGen C0346153, MONDO:0016419, OMIM 114480. Disease mechanism: loss of function.

Allele frequency attached by ClinVar (database versions not stated): gnomAD exomes below 0.00001; gnomAD 0.00001.
gnomAD v4.1: 3 of 1,576,028 alleles (0.00019%); highest among the groups gnomAD compares: African/African-American, 0.0027%; no homozygotes.

Submissions (3):

Myriad Genetics, Inc.
Classification: Benign for Familial cancer of breast. Last evaluated: 2024-07-22. Review status: criteria provided, single submitter. Criteria: Myriad Autosomal Dominant, Autosomal Recessive and X-Linked Classification Criteria (2023). Collection method: clinical testing. Allele origin: unknown.
Comment: This variant is considered benign. This variant is a silent/synonymous amino acid change and it is not expected to impact splicing.

Labcorp Genetics (formerly Invitae), Labcorp
Classification: Likely benign for Familial cancer of breast. Last evaluated: 2024-05-15. Review status: criteria provided, single submitter. Criteria: Invitae Variant Classification Sherloc (09022015). Collection method: clinical testing. Allele origin: germline.

Ambry Genetics
Classification: Uncertain significance for Hereditary cancer-predisposing syndrome. Last evaluated: 2024-01-31. Review status: criteria provided, single submitter. Criteria: Ambry Variant Classification Scheme 2023. Collection method: clinical testing. Allele origin: germline.
Comment: The c.726C>T variant (also known as p.F242F), located in coding exon 4 of the BARD1 gene, results from a C to T substitution at nucleotide position 726. This nucleotide substitution does not change the phenylalanine at codon 242. This nucleotide position is well conserved in available vertebrate species. In silico splice site analysis for this alteration is inconclusive. Based on the available evidence, the clinical significance of this alteration remains unclear.

NM_000465.4(BARD1):c.726C>T (p.Phe242=)

Gene: BARD1 (BRCA1 associated RING domain 1; minus strand). Cytogenetic location: 2q35.
Variant type: single nucleotide variant.
Coding change: c.726C>T on transcript NM_000465.4 (MANE Select); coding-DNA position 726, C replaced by T.
Protein change: p.Phe242=; no amino-acid change (phenylalanine 242 retained).
Molecular consequence: synonymous variant. On other transcripts: non-coding transcript variant (2), intron variant (3).
Genome position (GRCh38, 1-based): chr2:214,781,148, G>A on the plus strand (C>T on the coding strand, the complement: BARD1 is on the minus strand). VCF-style: chr2-214781148-G-A. GRCh37 (hg19) VCF-style: chr2-215645872-G-A.
Other names: c.669C>T, p.Phe223= (NM_001282543.2); c.158+28264C>T (NM_001282548.2); c.215+15913C>T (NM_001282545.2); c.364+11149C>T (NM_001282549.2).
Identifiers: ClinVar variation 460761 (VCV000460761.13), dbSNP rs876659277, ClinGen allele CA431390840.